The following is an entry in ClinVar:

NM_001042492.3(NF1):c.7175del (p.Gly2392fs)

Gene: NF1 (neurofibromin 1; plus strand). Cytogenetic location: 17q11.2.
Variant type: Deletion.
Coding change: c.7175del on transcript NM_001042492.3 (MANE Select); coding-DNA position 7175, one base deleted (G; older notation c.7175delG).
Protein change: p.Gly2392fs; shifts the reading frame from glycine 2392.
Molecular consequence: frameshift variant.
Genome position (GRCh38, 1-based): chr17:31,343,121, G deleted; the last of 2 consecutive G bases (chr17:31,343,120-31,343,121); deleting either gives the same sequence. VCF-style (leftmost placement, unchanged base first): chr17-31343119-TG-T. GRCh37 (hg19) VCF-style: chr17-29670137-TG-T.
Other names: c.7112delG, p.Gly2371Aspfs (NM_000267.4); c.7112delG (NM_000267.3); short protein forms G2371fs, G2392fs.
Identifiers: ClinVar variation 978051 (VCV000978051.4), dbSNP rs2069870034, ClinGen allele CA2255605127.
Genomic context (GRCh38, chr17:31,343,119, plus strand): 5'-CAAGCAAATGGATCATTTTGTTGGACTCAATTTCAACTCTAACTTTAACTTTGCATTGGT[TG>T]GACACCTTTTAAAAGGTAAAAAAGCCTTATTTAGAATATTTTTATGAAGTACTATTAAGA-3'

ClinVar aggregate classification (germline): Likely pathogenic (1 of 4 stars; one submission).

Conditions:
Neurofibromatosis, type 1 (NF1). Also called: VON RECKLINGHAUSEN DISEASE; NEUROFIBROMATOSIS, TYPE I, SOMATIC; Peripheral type neurofibromatosis; Neurofibromatosis, type I. Identifiers: Orphanet 636, MedGen C0027831, MONDO:0018975, OMIM 162200. Disease mechanism: loss of function.

Submission:

Hongqi Zhang Laboratory, Xiangya Hospital, Central South University
Classification: Likely pathogenic for Neurofibromatosis, type 1. Last evaluated: 2019-06-01. Review status: criteria provided, single submitter. Criteria: Wildeman et al. (Hum Mutat. 2008). Collection method: clinical testing, case-control. Allele origin: inherited, not applicable. Affected: yes. Observed: 6 variant alleles, 6 heterozygotes. Clinical features observed: Autosomal dominant inheritance (HP:0000006), Scoliosis (HP:0002650), Cafe au lait spots, multiple (HP:0007565), Osteoporosis (HP:0000939). Functional consequence: termination codon change.
Comment: We report a novel frameshift mutation (c.7112delG) in the NF1 gene segregated with NF1 patients in a three-generation family. The patients in this pedigree were characterized by scoliosis and osteoporosis, informing the hypothesis that the c.7112delG mutation in the NF1 gene causes bone formation disorder that further induces scoliosis and osteoporosis.